The following is an entry in ClinVar:

NM_000393.5(COL5A2):c.1139C>T (p.Pro380Leu)

Gene: COL5A2 (collagen type V alpha 2 chain; minus strand). Cytogenetic location: 2q32.2.
Variant type: single nucleotide variant.
Coding change: c.1139C>T on transcript NM_000393.5 (MANE Select); coding-DNA position 1139, C replaced by T.
Protein change: p.Pro380Leu; replaces proline 380 with leucine.
Molecular consequence: missense variant.
Genome position (GRCh38, 1-based): chr2:189,072,059, G>A on the plus strand (C>T on the coding strand, the complement: COL5A2 is on the minus strand). VCF-style: chr2-189072059-G-A. GRCh37 (hg19) VCF-style: chr2-189936785-G-A.
Other names: short protein forms P380L.
Identifiers: ClinVar variation 639912 (VCV000639912.11), dbSNP rs1576507871, ClinGen allele CA349854389.
Genomic context (GRCh38, chr2:189,072,059, plus strand): 5'-CATGTAGCGTTAAATACTGTATATTAACATTAACATCTTACCTTCATTCCAGGATTTCCT[G>A]GAAAACCAGAAGAGCCTGGTATCCCAAGAGGACCCTATTAAAAGAAACCAGAAAAGTAAT-3'
Protein context (NP_000384.2, residues 370-390): PLGIPGSSGF[Pro380Leu]GNPGMKGEAG

ClinVar aggregate classification (germline): Uncertain significance. Review status: criteria provided, multiple submitters, no conflicts (2 of 4 stars). 2 submissions from 2 submitters: Uncertain significance (2). Last evaluated 2024-06-13.

Conditions:
Ehlers-Danlos syndrome, classic type, 1 (EDSCL1). Also called: EDS I; EHLERS-DANLOS SYNDROME, GRAVIS TYPE; EHLERS-DANLOS SYNDROME, SEVERE CLASSIC TYPE; Ehlers-Danlos Syndrome, Classic Type, COL5A1-Related; Ehlers-Danlos syndrome, type 1. Identifiers: MedGen C0268335, MONDO:0019567, OMIM 130000.
Familial thoracic aortic aneurysm and aortic dissection (TAAD). Also called: Thoracic aortic aneurysms and dissections. Identifiers: Orphanet 91387, MedGen C4707243, MONDO:0019625.

Submissions (2):

Ambry Genetics
Classification: Uncertain significance for Familial thoracic aortic aneurysm and aortic dissection. Last evaluated: 2024-06-13. Review status: criteria provided, single submitter. Criteria: Ambry Variant Classification Scheme 2023. Collection method: clinical testing. Allele origin: germline.
Comment: The p.P380L variant (also known as c.1139C>T), located in coding exon 18 of the COL5A2 gene, results from a C to T substitution at nucleotide position 1139. The proline at codon 380 is replaced by leucine, an amino acid with similar properties. This amino acid position is highly conserved in available vertebrate species. In addition, this alteration is predicted to be deleterious by in silico analysis. Based on the available evidence, the clinical significance of this variant remains unclear.

Labcorp Genetics (formerly Invitae), Labcorp
Classification: Uncertain significance for Ehlers-Danlos syndrome, classic type, 1. Last evaluated: 2018-08-27. Review status: criteria provided, single submitter. Criteria: Invitae Variant Classification Sherloc (09022015). Collection method: clinical testing. Allele origin: germline.
Comment: This sequence change replaces proline with leucine at codon 380 of the COL5A2 protein (p.Pro380Leu). The proline residue is highly conserved and there is a moderate physicochemical difference between proline and leucine. This variant is not present in population databases (ExAC no frequency). This variant has not been reported in the literature in individuals with COL5A2-related disease. Algorithms developed to predict the effect of missense changes on protein structure and function (SIFT, PolyPhen-2, Align-GVGD) all suggest that this variant is likely to be disruptive, but these predictions have not been confirmed by published functional studies and their clinical significance is uncertain. In summary, the available evidence is currently insufficient to determine the role of this variant in disease. Therefore, it has been classified as a Variant of Uncertain Significance.